The following is an entry in ClinVar:

NM_000235.4(LIPA):c.605C>T (p.Pro202Leu)

Gene: LIPA (lipase A, lysosomal acid type; minus strand). Cytogenetic location: 10q23.31.
Variant type: single nucleotide variant.
Coding change: c.605C>T on transcript NM_000235.4 (MANE Select); coding-DNA position 605, C replaced by T.
Protein change: p.Pro202Leu; replaces proline 202 with leucine.
Molecular consequence: missense variant.
Genome position (GRCh38, 1-based): chr10:89,225,162, G>A on the plus strand (C>T on the coding strand, the complement: LIPA is on the minus strand). VCF-style: chr10-89225162-G-A. GRCh37 (hg19) VCF-style: chr10-90984919-G-A.
Other names: c.605C>T, p.Pro202Leu (NM_001127605.3); c.257C>T, p.Pro86Leu (NM_001288979.2); short protein forms P202L, P86L.
Identifiers: ClinVar variation 695050 (VCV000695050.3), dbSNP rs1393039920, ClinGen allele CA377517288.

ClinVar aggregate classification (germline): Likely pathogenic. Review status: criteria provided, multiple submitters, no conflicts (2 of 4 stars). 2 submissions from 2 submitters: Likely pathogenic (2). Last evaluated 2026-01-20.

Conditions:
Lysosomal acid lipase deficiency. Also called: Acid cholesteryl ester hydrolase deficiency, type 2. Identifiers: Orphanet 275761, MedGen C5574740, MONDO:0800449, MONDO:0010204.

Allele frequency attached by ClinVar (database versions not stated): gnomAD 0.00001.
gnomAD v4.1: 1 of 1,614,082 alleles (0.000062%); highest among the groups gnomAD compares: Non-Finnish European, 0.000085%; no homozygotes.

Submissions (2):

Myriad Genetics, Inc.
Classification: Likely pathogenic for Lysosomal acid lipase deficiency. Last evaluated: 2026-01-20. Review status: criteria provided, single submitter. Criteria: Myriad Autosomal Dominant, Autosomal Recessive and X-Linked Classification Criteria (2023). Collection method: clinical testing. Allele origin: unknown.
Comment: NM_000235.2(LIPA):c.605C>T(P202L) is a missense variant classified as likely pathogenic in the context of lysosomal acid lipase deficiency. P202L has been observed in a case with relevant disease (PMID: 8894696). Relevant functional assessments of this variant are available in the literature (PMID: 8894696, 29196158, 31131398, 31180157, 9684740). P202L has not been observed in referenced population frequency databases. In summary, NM_000235.2(LIPA):c.605C>T(P202L) is a missense variant that has functional support for pathogenicity and has been observed more frequently in cases with the relevant disease than in healthy populations. Please note: this variant was assessed in the context of healthy population screening.

Alexion, Astrazeneca Rare Disease, Astrazeneca
Classification: Likely pathogenic for Lysosomal acid lipase deficiency. Last evaluated: 2019-06-01. Review status: criteria provided, single submitter. Criteria: ACMG Guidelines, 2015. Collection method: research. Allele origin: germline. Affected: yes.
Comment: ACMG PS3 criterion ascertained by in-vitro functional study, PMID:31180157

Literature cited by the submitters: PubMed 29196158 (cited by Myriad Genetics, Inc.); PubMed 31131398 (cited by Myriad Genetics, Inc.); PubMed 31180157 (cited by Myriad Genetics, Inc. and Alexion, Astrazeneca Rare Disease, Astrazeneca); PubMed 8894696 (cited by Myriad Genetics, Inc.); PubMed 9684740 (cited by Myriad Genetics, Inc.); PubMed 24792990 (cited by Alexion, Astrazeneca Rare Disease, Astrazeneca).